The following is an entry in ClinVar:

NM_000383.4(AIRE):c.860G>A (p.Ser287Asn)

Gene: AIRE (autoimmune regulator; plus strand). Cytogenetic location: 21q22.3.
Variant type: single nucleotide variant.
Coding change: c.860G>A on transcript NM_000383.4 (MANE Select); coding-DNA position 860, G replaced by A.
Protein change: p.Ser287Asn; replaces serine 287 with asparagine.
Molecular consequence: missense variant.
Genome position (GRCh38, 1-based): chr21:44,290,049, G>A. VCF-style: chr21-44290049-G-A. GRCh37 (hg19) VCF-style: chr21-45709932-G-A.
Other names: short protein forms S287N.
Identifiers: ClinVar variation 640857 (VCV000640857.9), dbSNP rs375819189, ClinGen allele CA10051753.

ClinVar aggregate classification (germline): Uncertain significance. Review status: criteria provided, single submitter (1 of 4 stars). 2 submissions from 2 submitters: Uncertain significance (1). 1 of the submissions does not count toward it. Last evaluated 2022-02-04.

Conditions:
Polyglandular autoimmune syndrome, type 1 (APS1). Also called: AUTOIMMUNE POLYENDOCRINE SYNDROME, TYPE I, WITH OR WITHOUT REVERSIBLE METAPHYSEAL DYSPLASIA; APS I; Autoimmune polyendocrinopathy syndrome, type I; Autoimmune polyendocrinopathy syndrome , type I, with or without reversible metaphyseal dysplasia; HYPOADRENOCORTICISM WITH HYPOPARATHYROIDISM AND SUPERFICIAL MONILIASIS; PGA I. Identifiers: Orphanet 3453, MedGen C0085859, MONDO:0009411, OMIM 240300.

Allele frequency attached by ClinVar (database versions not stated): ExAC 0.00001; gnomAD 0.00001; TOPMed 0.00001; ESP Exome Variant Server 0.00008.

Submissions (2):

Labcorp Genetics (formerly Invitae), Labcorp
Classification: Uncertain significance for Polyglandular autoimmune syndrome, type 1. Last evaluated: 2022-02-04. Review status: criteria provided, single submitter. Criteria: Invitae Variant Classification Sherloc (09022015). Collection method: clinical testing. Allele origin: germline.
Comment: This sequence change replaces serine, which is neutral and polar, with asparagine, which is neutral and polar, at codon 287 of the AIRE protein (p.Ser287Asn). This variant is present in population databases (rs375819189, gnomAD 0.007%). This variant has not been reported in the literature in individuals affected with AIRE-related conditions. ClinVar contains an entry for this variant (Variation ID: 640857). Advanced modeling of protein sequence and biophysical properties (such as structural, functional, and spatial information, amino acid conservation, physicochemical variation, residue mobility, and thermodynamic stability) performed at Invitae indicates that this missense variant is not expected to disrupt AIRE protein function. In summary, the available evidence is currently insufficient to determine the role of this variant in disease. Therefore, it has been classified as a Variant of Uncertain Significance.

Natera, Inc.
Classification: Uncertain significance for Polyglandular autoimmune syndrome type 1. Last evaluated: 2021-05-18. Review status: no assertion criteria provided. Collection method: clinical testing. Allele origin: germline. Not counted in ClinVar's aggregate classification.